The following is an entry in ClinVar:

NM_153816.6(SNX14):c.810A>G (p.Ile270Met)

Gene: SNX14 (sorting nexin 14; minus strand). Cytogenetic location: 6q14.3.
Variant type: single nucleotide variant.
Coding change: c.810A>G on transcript NM_153816.6 (MANE Select); coding-DNA position 810, A replaced by G.
Protein change: p.Ile270Met; replaces isoleucine 270 with methionine.
Molecular consequence: missense variant. On other transcripts: 5 prime UTR variant (7), non-coding transcript variant (6).
Genome position (GRCh38, 1-based): chr6:85,548,358, T>C on the plus strand (A>G on the coding strand, the complement: SNX14 is on the minus strand). VCF-style: chr6-85548358-T-C. GRCh37 (hg19) VCF-style: chr6-86258076-T-C.
Other names: c.810A>G, p.Ile270Met (NM_001297614.3, NM_001350540.2, NM_001350541.2); c.654A>G, p.Ile218Met (NM_001304479.2); c.873A>G, p.Ile291Met (NM_001350532.2); c.807A>G, p.Ile269Met (NM_001350533.2, NM_001350534.2, NM_001350535.2); c.678A>G, p.Ile226Met (NM_001350536.2, NM_020468.6); c.675A>G, p.Ile225Met (NM_001350537.2); c.666A>G, p.Ile222Met (NM_001350538.2); c.651A>G, p.Ile217Met (NM_001350539.2); and 8 more; short protein forms I122M, I170M, I173M, I174M, I217M, I218M, I222M, I225M.
Identifiers: ClinVar variation 2505745 (VCV002505745.2), dbSNP rs759158613, ClinGen allele CA3912324.

ClinVar aggregate classification (germline): Uncertain significance. Review status: criteria provided, multiple submitters, no conflicts (2 of 4 stars). 2 submissions from 2 submitters: Uncertain significance (2). Last evaluated 2025-04-13.

Conditions:
Inborn genetic diseases. Identifiers: MedGen C0950123, MeSH D030342.

Allele frequency attached by ClinVar (database versions not stated): gnomAD 0.00002; TOPMed 0.00002; gnomAD exomes 0.00003; ExAC 0.00005.
gnomAD v4.1: 41 of 1,606,086 alleles (0.0026%); highest among the groups gnomAD compares: Middle Eastern, 0.033%; no homozygotes.

Submissions (2):

Ambry Genetics
Classification: Uncertain significance for Inborn genetic diseases. Last evaluated: 2025-04-13. Review status: criteria provided, single submitter. Criteria: Ambry Variant Classification Scheme 2023. Collection method: clinical testing. Allele origin: germline.

GeneDx
Classification: Uncertain significance. Last evaluated: 2022-12-13. Review status: criteria provided, single submitter. Criteria: GeneDx Variant Classification Process June 2021. Collection method: clinical testing. Allele origin: germline. Affected: yes.
Comment: In silico analysis supports that this missense variant does not alter protein structure/function; Has not been previously published as pathogenic or benign to our knowledge